The following is an entry in ClinVar:

ClinVar aggregate classification (germline): Benign. Review status: criteria provided, single submitter (1 of 4 stars). 2 submissions from 2 submitters: Benign (1). 1 of the submissions does not count toward it. Last evaluated 2024-10-17.

Conditions:
CNOT1-related disorder. Also called: CNOT1-related condition.

Allele frequency attached by ClinVar (database versions not stated): TOPMed 0.00003; ESP Exome Variant Server 0.00008; gnomAD 0.00025; gnomAD exomes 0.00058; ExAC 0.00120; 1000 Genomes Project 30x 0.00125; 1000 Genomes Project 0.00140.
gnomAD v4.1: 868 of 1,614,202 alleles (0.054%); highest among the groups gnomAD compares: South Asian, 0.92%; 19 homozygotes.

Submissions (2):

Labcorp Genetics (formerly Invitae), Labcorp
Classification: Benign. Last evaluated: 2024-10-17. Review status: criteria provided, single submitter. Criteria: Invitae Variant Classification Sherloc (09022015). Collection method: clinical testing. Allele origin: germline.

PreventionGenetics, part of Exact Sciences
Classification: Benign for CNOT1-related condition. Last evaluated: 2019-07-01. Review status: no assertion criteria provided. Collection method: clinical testing. Allele origin: germline. Not counted in ClinVar's aggregate classification.
Comment: This variant is classified as benign based on ACMG/AMP sequence variant interpretation guidelines (Richards et al. 2015 PMID: 25741868, with internal and published modifications).

NM_016284.5(CNOT1):c.4434T>A (p.Arg1478=)

Gene: CNOT1 (CCR4-NOT transcription complex subunit 1; minus strand). Cytogenetic location: 16q21.
Variant type: single nucleotide variant.
Coding change: c.4434T>A on transcript NM_016284.5 (MANE Select); coding-DNA position 4434, T replaced by A.
Protein change: p.Arg1478=; no amino-acid change (arginine 1478 retained).
Molecular consequence: synonymous variant. On other transcripts: non-coding transcript variant (1).
Genome position (GRCh38, 1-based): chr16:58,543,607, A>T on the plus strand (T>A on the coding strand, the complement: CNOT1 is on the minus strand). VCF-style: chr16-58543607-A-T. GRCh37 (hg19) VCF-style: chr16-58577511-A-T.
Other names: c.4434T>A (NM_016284.4); c.4419T>A, p.Arg1473= (NM_001265612.2); c.4434T>A, p.Arg1478= (NM_206999.3).
Identifiers: ClinVar variation 2721214 (VCV002721214.5), dbSNP rs376222589, ClinGen allele CA8089188.